The following is an entry in ClinVar:

NM_000256.3(MYBPC3):c.3720T>A (p.Ile1240=)

Gene: MYBPC3 (myosin binding protein C3; minus strand). Cytogenetic location: 11p11.2.
Variant type: single nucleotide variant.
Coding change: c.3720T>A on transcript NM_000256.3 (MANE Select); coding-DNA position 3720, T replaced by A.
Protein change: p.Ile1240=; no amino-acid change (isoleucine 1240 retained).
Molecular consequence: synonymous variant.
Genome position (GRCh38, 1-based): chr11:47,332,166, A>T on the plus strand (T>A on the coding strand, the complement: MYBPC3 is on the minus strand). VCF-style: chr11-47332166-A-T. GRCh37 (hg19) VCF-style: chr11-47353717-A-T.
Identifiers: ClinVar variation 3072098 (VCV003072098.1), dbSNP rs751092574, ClinGen allele CA474428861.

ClinVar aggregate classification (germline): Likely benign (1 of 4 stars; one submission).

Conditions:
Hypertrophic cardiomyopathy. Also called: HYPERTROPHIC MYOCARDIOPATHY. Identifiers: Orphanet 217569, MedGen C0007194, MeSH D002312, MONDO:0005045, HP:0001639.

gnomAD v4.1: 2 of 1,613,784 alleles (0.00012%); highest among the groups gnomAD compares: Middle Eastern, 0.016%; no homozygotes.

Submission:

All of Us Research Program, National Institutes of Health
Classification: Likely benign for Hypertrophic cardiomyopathy. Last evaluated: 2023-06-26. Review status: criteria provided, single submitter. Criteria: ACMG Guidelines, 2015. Collection method: clinical testing. Allele origin: germline. Inheritance: Autosomal dominant inheritance. Observed: 1 variant allele, 1 heterozygote.
Comment: This study involves interpretation of variants in research participants for the purpose of population health screening. Participant phenotype was not available at the time of variant classification. Additional details can be found in publication PMID: 35346344, PMCID: PMC8962531